The following is an entry in ClinVar:

ClinVar aggregate classification (germline): Uncertain significance. Review status: criteria provided, multiple submitters, no conflicts (2 of 4 stars). 4 submissions from 4 submitters: Uncertain significance (4). Last evaluated 2025-10-13.

Conditions:
Left ventricular noncompaction 8 (LVNC8). Identifiers: Orphanet 154, Orphanet 54260, MedGen C3809288, MONDO:0014152, OMIM 615373.

Submissions (4):

Labcorp Genetics (formerly Invitae), Labcorp
Classification: Uncertain significance for Left ventricular noncompaction 8. Last evaluated: 2025-10-13. Review status: criteria provided, single submitter. Criteria: Invitae Variant Classification Sherloc (09022015). Collection method: clinical testing. Allele origin: germline.
Comment: This variant, c.1907_1912del, results in the deletion of 2 amino acid(s) of the PRDM16 protein (p.Asp636_Lys637del), but otherwise preserves the integrity of the reading frame. This variant is present in population databases (rs772557308, gnomAD 0.01%). This variant has not been reported in the literature in individuals affected with PRDM16-related conditions. ClinVar contains an entry for this variant (Variation ID: 576741). Experimental studies and prediction algorithms are not available or were not evaluated, and the functional significance of this variant is currently unknown. In summary, the available evidence is currently insufficient to determine the role of this variant in disease. Therefore, it has been classified as a Variant of Uncertain Significance.

GeneDx
Classification: Uncertain significance. Last evaluated: 2022-03-22. Review status: criteria provided, single submitter. Criteria: GeneDx Variant Classification Process June 2021. Collection method: clinical testing. Allele origin: germline. Affected: yes.
Comment: Has not been previously published as pathogenic or benign to our knowledge; In-frame deletion of 2 amino acids in a non-repeat region; In silico analysis supports a deleterious effect on protein structure/function

Blueprint Genetics
Classification: Uncertain significance. Last evaluated: 2021-08-03. Review status: criteria provided, single submitter. Criteria: ACMG Guidelines, 2015. Collection method: clinical testing. Allele origin: germline.

Knight Diagnostic Laboratories, Oregon Health and Sciences University
Classification: Uncertain significance for Left ventricular noncompaction 8. Last evaluated: 2019-01-10. Review status: criteria provided, single submitter. Criteria: ACMG Guidelines, 2015. Collection method: clinical testing. Allele origin: germline. Observed: 2 variant alleles.

NM_022114.4(PRDM16):c.1901ACAAGG[1] (p.634DK[1])

Gene: PRDM16 (PR/SET domain 16; plus strand). Cytogenetic location: 1p36.32.
Variant type: Microsatellite.
Coding change: c.1901ACAAGG[1] on transcript NM_022114.4 (MANE Select); one copy of the 6-base unit ACAAGG starting at c.1901; the reference has two copies in a row; one copy, 6 bases deleted.
Protein change: p.634DK[1].
Molecular consequence: inframe deletion.
Genome position (GRCh38, 1-based): chr1:3,412,104-3,412,109, ACAAGG deleted; deleting any 6 consecutive bases within chr1:3,412,097-3,412,109 gives the same sequence; the position shown is the placement nearest the transcript's 3' end. VCF-style (leftmost placement, unchanged base first): chr1-3412096-TGACAAG-T. GRCh37 (hg19) VCF-style: chr1-3328660-TGACAAG-T.
Other names: c.1901ACAAGG[1], p.634DK[1] (NM_199454.3); c.1907_1912delACAAGG (NM_022114.3).
Identifiers: ClinVar variation 576741 (VCV000576741.13), dbSNP rs772557308, ClinGen allele CA544329.